The following is an entry in ClinVar:

ClinVar aggregate classification (germline): Uncertain significance. Review status: criteria provided, multiple submitters, no conflicts (2 of 4 stars). 3 submissions from 3 submitters: Uncertain significance (3). Last evaluated 2025-12-23.

Conditions:
Hereditary cancer-predisposing syndrome. Also called: Hereditary Cancer Syndrome; Neoplastic Syndromes, Hereditary; Tumor predisposition; Hereditary neoplastic syndrome. Identifiers: Orphanet 140162, MedGen C0027672, MeSH D009386, MONDO:0015356.
Familial cancer of breast. Also called: Hereditary breast cancer; BREAST CANCER, FAMILIAL; hereditary breast carcinoma. Identifiers: Orphanet 227535, MedGen C0346153, MONDO:0016419, OMIM 114480. Disease mechanism: loss of function.

Submissions (3):

Labcorp Genetics (formerly Invitae), Labcorp
Classification: Uncertain significance for Familial cancer of breast. Last evaluated: 2025-12-23. Review status: criteria provided, single submitter. Criteria: Invitae Variant Classification Sherloc (09022015). Collection method: clinical testing. Allele origin: germline.
Comment: This sequence change replaces arginine, which is basic and polar, with serine, which is neutral and polar, at codon 322 of the BARD1 protein (p.Arg322Ser). This variant is not present in population databases (gnomAD no frequency). This variant has not been reported in the literature in individuals affected with BARD1-related conditions. ClinVar contains an entry for this variant (Variation ID: 490973). An algorithm developed to predict the effect of missense changes on protein structure and function (PolyPhen-2) suggests that this variant is likely to be tolerated. In summary, the available evidence is currently insufficient to determine the role of this variant in disease. Therefore, it has been classified as a Variant of Uncertain Significance.

Ambry Genetics
Classification: Uncertain significance for Hereditary cancer-predisposing syndrome. Last evaluated: 2024-10-27. Review status: criteria provided, single submitter. Criteria: Ambry Variant Classification Scheme 2023. Collection method: clinical testing. Allele origin: germline.
Comment: The p.R322S variant (also known as c.964C>A), located in coding exon 4 of the BARD1 gene, results from a C to A substitution at nucleotide position 964. The arginine at codon 322 is replaced by serine, an amino acid with dissimilar properties. This amino acid position is conserved. In addition, this alteration is predicted to be tolerated by in silico analysis. Based on the available evidence, the clinical significance of this variant remains unclear.

Color Diagnostics, LLC DBA Color Health
Classification: Uncertain significance for Hereditary cancer-predisposing syndrome. Last evaluated: 2023-12-05. Review status: criteria provided, single submitter. Criteria: ACMG Guidelines, 2015. Collection method: clinical testing. Allele origin: germline.
Comment: This missense variant replaces arginine with serine at codon 322 of the BARD1 protein. Computational prediction suggests that this variant may not impact protein structure and function (internally defined REVEL score threshold <= 0.5, PMID: 27666373). To our knowledge, functional studies have not been reported for this variant. This variant has not been reported in individuals affected with BARD1-related disorders in the literature. This variant has not been identified in the general population by the Genome Aggregation Database (gnomAD). The available evidence is insufficient to determine the role of this variant in disease conclusively. Therefore, this variant is classified as a Variant of Uncertain Significance.

NM_000465.4(BARD1):c.964C>A (p.Arg322Ser)

Gene: BARD1 (BRCA1 associated RING domain 1; minus strand). Cytogenetic location: 2q35.
Variant type: single nucleotide variant.
Coding change: c.964C>A on transcript NM_000465.4 (MANE Select); coding-DNA position 964, C replaced by A.
Protein change: p.Arg322Ser; replaces arginine 322 with serine.
Molecular consequence: missense variant. On other transcripts: non-coding transcript variant (2), intron variant (3).
Genome position (GRCh38, 1-based): chr2:214,780,910, G>T on the plus strand (C>A on the coding strand, the complement: BARD1 is on the minus strand). VCF-style: chr2-214780910-G-T. GRCh37 (hg19) VCF-style: chr2-215645634-G-T.
Other names: c.907C>A, p.Arg303Ser (NM_001282543.2); c.159-28355C>A (NM_001282548.2); c.215+16151C>A (NM_001282545.2); c.364+11387C>A (NM_001282549.2); c.964C>A (NM_000465.2); short protein forms R322S, R303S.
Identifiers: ClinVar variation 490973 (VCV000490973.8), dbSNP rs786203129, ClinGen allele CA350454683.
Genomic context (GRCh38, chr2:214,780,910, plus strand): 5'-TCAGAATGCTGGTTCTACATCTCTTAGAAATGGGACTGGAAAGTCTATTGTGATGGCCAC[G>T]TTTTCCATTATTTTCTAATGGCAAAGATTTCTTAGATGTAAGATAATTTTTGCAGACCTT-3'
Protein context (NP_000456.2, residues 312-332): KSLPLENNGK[Arg322Ser]GHHNRLSSPI